The following is an entry in ClinVar:

NM_001012720.2(RGR):c.196A>C (p.Ser66Arg)

Gene: RGR (retinal G protein coupled receptor; plus strand). Cytogenetic location: 10q23.1.
Variant type: single nucleotide variant.
Coding change: c.196A>C on transcript NM_001012720.2 (MANE Select); coding-DNA position 196, A replaced by C.
Protein change: p.Ser66Arg; replaces serine 66 with arginine.
Molecular consequence: missense variant.
Genome position (GRCh38, 1-based): chr10:84,247,707, A>C. VCF-style: chr10-84247707-A-C. GRCh37 (hg19) VCF-style: chr10-86007463-A-C.
Other names: c.196A>C, p.Ser66Arg (NM_001012722.2, NM_002921.4); short protein forms S66R.
Identifiers: ClinVar variation 9181 (VCV000009181.22), dbSNP rs104894187, ClinGen allele CA241383.

ClinVar aggregate classification (germline): Conflicting classifications of pathogenicity. Review status: criteria provided, conflicting classifications (1 of 4 stars). 9 submissions from 8 submitters: Likely pathogenic (1); Uncertain significance (7). 1 of the submissions does not count toward it. Last evaluated 2025-12-29.

Conditions:
Retinal dystrophy. Also called: Inherited retinal dystrophy. Identifiers: Orphanet 71862, MedGen C0854723, MeSH D058499, MONDO:0019118, HP:0000556.
Retinitis pigmentosa 44 (RP44). Identifiers: Orphanet 791, MedGen C3151068, MONDO:0013414, OMIM 613769.
Cone dystrophy. Identifiers: Orphanet 1871, MedGen C0730290, MONDO:0000455.

Allele frequency attached by ClinVar (database versions not stated): ExAC 0.00002; gnomAD 0.00002; gnomAD exomes 0.00002 and 0.00003; TOPMed 0.00003.

Submissions (9):

Labcorp Genetics (formerly Invitae), Labcorp
Classification: Uncertain significance. Last evaluated: 2025-12-29. Review status: criteria provided, single submitter. Criteria: Invitae Variant Classification Sherloc (09022015). Collection method: clinical testing. Allele origin: germline.
Comment: This sequence change replaces serine, which is neutral and polar, with arginine, which is basic and polar, at codon 66 of the RGR protein (p.Ser66Arg). This variant is present in population databases (rs104894187, gnomAD 0.007%). This missense change has been observed in individual(s) with RGR-related conditions (PMID: 27623334, 30337596, 32531858, 34229535). ClinVar contains an entry for this variant (Variation ID: 9181). Experimental studies and prediction algorithms are not available or were not evaluated, and the functional significance of this variant is currently unknown. In summary, the available evidence is currently insufficient to determine the role of this variant in disease. Therefore, it has been classified as a Variant of Uncertain Significance.

Blueprint Genetics
Classification: Uncertain significance. Last evaluated: 2024-10-24. Review status: criteria provided, single submitter. Criteria: ACMG Guidelines, 2015. Collection method: clinical testing. Allele origin: germline.

Institute of Human Genetics, University of Leipzig Medical Center
Classification: Likely pathogenic for Retinitis pigmentosa 44. Last evaluated: 2022-01-20. Review status: criteria provided, single submitter. Criteria: ACMG Guidelines, 2015. Collection method: clinical testing. Allele origin: unknown. Affected: yes.
Comment: This variant was identified as homozygous. Criteria applied: PS4_MOD, PM3, PM2_SUP, PP3

GeneDx
Classification: Uncertain significance. Last evaluated: 2020-09-18. Review status: criteria provided, single submitter. Criteria: GeneDx Variant Classification Process June 2021. Collection method: clinical testing. Allele origin: germline. Affected: yes.
Comment: In silico analysis supports that this missense variant has a deleterious effect on protein structure/function; This variant is associated with the following publications: (PMID: 27623334, 10581022, 21067480, 30337596)

Centre for Mendelian Genomics, University Medical Centre Ljubljana
Classification: Uncertain significance for Retinitis pigmentosa 44. Last evaluated: 2019-02-21. Review status: criteria provided, single submitter. Criteria: ACMG Guidelines, 2015. Collection method: clinical testing. Allele origin: unknown. Affected: yes.
Comment: This variant was classified as: Uncertain significance. The following ACMG criteria were applied in classifying this variant: PM2,PP3,PP5.

Institute of Human Genetics, Univ. Regensburg, Univ. Regensburg
Classification: Uncertain significance for Retinal dystrophy. Last evaluated: 2018-01-01. Review status: criteria provided, single submitter. Criteria: ACMG Guidelines, 2015. Collection method: clinical testing. Allele origin: germline. Affected: yes.

Centre for Mendelian Genomics, University Medical Centre Ljubljana
Classification: Uncertain significance for Cone-rod dystrophy. Last evaluated: 2017-01-01. Review status: criteria provided, single submitter. Criteria: ACMG Guidelines, 2015. Collection method: clinical testing. Allele origin: unknown. Affected: yes.

Eurofins Ntd Llc (ga)
Classification: Uncertain significance. Last evaluated: 2015-06-25. Review status: criteria provided, single submitter. Criteria: EGL Classification Definitions 2015. Collection method: clinical testing. Allele origin: germline. Observed: 3 variant alleles, 2 heterozygotes, 1 homozygote.

OMIM
Classification: Pathogenic for RETINITIS PIGMENTOSA 44. Last evaluated: 1999-12-01. Review status: no assertion criteria provided. Collection method: literature only. Allele origin: germline. Not counted in ClinVar's aggregate classification.

Literature cited by the submitters: PubMed 27623334 (cited by Labcorp Genetics (formerly Invitae), Labcorp and Institute of Human Genetics, Univ. Regensburg, Univ. Regensburg); PubMed 30337596 (cited by Labcorp Genetics (formerly Invitae), Labcorp and Institute of Human Genetics, Univ. Regensburg, Univ. Regensburg); PubMed 32531858 (cited by Labcorp Genetics (formerly Invitae), Labcorp and Institute of Human Genetics, Univ. Regensburg, Univ. Regensburg); PubMed 34229535 (cited by Labcorp Genetics (formerly Invitae), Labcorp); PubMed 10581022 (cited by 3 submitters); PubMed 31964843 (cited by Institute of Human Genetics, Univ. Regensburg, Univ. Regensburg).